The following is an entry in ClinVar:

ClinVar aggregate classification (germline): Uncertain significance (1 of 4 stars; one submission).

gnomAD v4.1: 5 of 1,611,618 alleles (0.00031%); highest among the groups gnomAD compares: Non-Finnish European, 0.00042%; no homozygotes.

Submission:

Mayo Clinic Laboratories, Mayo Clinic
Classification: Uncertain significance. Last evaluated: 2025-08-30. Review status: criteria provided, single submitter. Criteria: ACMG Guidelines, 2015. Collection method: clinical testing. Allele origin: germline. Observed: 1 variant allele.
Comment: PM2_supporting

NM_002693.3(POLG):c.291G>T (p.Glu97Asp)

Genes: POLG (DNA polymerase gamma, catalytic subunit; minus strand), POLGARF (POLG alternative reading frame; minus strand). Cytogenetic location: 15q26.1.
Variant type: single nucleotide variant.
Coding change: c.291G>T on transcript NM_002693.3 (MANE Select); coding-DNA position 291, G replaced by T.
Protein change: p.Glu97Asp; replaces glutamic acid 97 with aspartic acid.
Molecular consequence: missense variant.
Genome position (GRCh38, 1-based): chr15:89,333,464, C>A on the plus strand (G>T on the coding strand, the complement: POLG is on the minus strand). VCF-style: chr15-89333464-C-A. GRCh37 (hg19) VCF-style: chr15-89876695-C-A.
Other names: p.Glu97Asp; c.346G>T, p.Gly116Cys (NM_001430120.1); c.291G>T, p.Glu97Asp (NM_001126131.2); short protein forms E97D, G116C.
Identifiers: ClinVar variation 4541979 (VCV004541979.1).
Genomic context (GRCh38, chr15:89,333,464, plus strand): 5'-GGCTGGCTGCCCCCAGAGCCCGTGCTTCTGCAGGTGCTCGACGCTGCGGCGCACCGCGGC[C>A]TCGCCAGGCATCTCCCCTCCTTGCCCGAAGATTTGCTCGTGCAGCCCTCTCGAGAGCATC-3'
Protein context (NP_002684.1, residues 87-107): IFGQGGEMPG[Glu97Asp]AAVRRSVEHL